The following is an entry in ClinVar:

NM_002473.6(MYH9):c.4310G>A (p.Cys1437Tyr)

Gene: MYH9 (myosin heavy chain 9; minus strand). Cytogenetic location: 22q12.3.
Variant type: single nucleotide variant.
Coding change: c.4310G>A on transcript NM_002473.6 (MANE Select); coding-DNA position 4310, G replaced by A.
Protein change: p.Cys1437Tyr; replaces cysteine 1437 with tyrosine.
Molecular consequence: missense variant.
Genome position (GRCh38, 1-based): chr22:36,292,020, C>T on the plus strand (G>A on the coding strand, the complement: MYH9 is on the minus strand). VCF-style: chr22-36292020-C-T. GRCh37 (hg19) VCF-style: chr22-36688066-C-T.
Other names: short protein forms C1437Y.
Identifiers: ClinVar variation 1718037 (VCV001718037.5), dbSNP rs2517958096, ClinGen allele CA411382109.
Genomic context (GRCh38, chr22:36,292,020, plus strand): 5'-AAAGGATGGGGCCAACGGCCACACACCTGGTCAAACTTCTTCTGCTTCTTCTCCAGGTTG[C>T]ACGCGCTCTGGCGCTGGTGGTCCAGGTCCACCAGCAGGTCGTCCAGCTCCTGCTGCAGCC-3'
Protein context (NP_002464.1, residues 1427-1447): VDLDHQRQSA[Cys1437Tyr]NLEKKQKKFD

ClinVar aggregate classification (germline): Uncertain significance (1 of 4 stars; one submission).

Submission:

Labcorp Genetics (formerly Invitae), Labcorp
Classification: Uncertain significance. Last evaluated: 2022-09-05. Review status: criteria provided, single submitter. Criteria: Invitae Variant Classification Sherloc (09022015). Collection method: clinical testing. Allele origin: germline.
Comment: In summary, the available evidence is currently insufficient to determine the role of this variant in disease. Therefore, it has been classified as a Variant of Uncertain Significance. Algorithms developed to predict the effect of missense changes on protein structure and function (SIFT, PolyPhen-2, Align-GVGD) all suggest that this variant is likely to be tolerated. This variant has not been reported in the literature in individuals affected with MYH9-related conditions. This variant is not present in population databases (gnomAD no frequency). This sequence change replaces cysteine, which is neutral and slightly polar, with tyrosine, which is neutral and polar, at codon 1437 of the MYH9 protein (p.Cys1437Tyr).